The following is an entry in ClinVar:

ClinVar aggregate classification (germline): Conflicting classifications of pathogenicity. Review status: criteria provided, conflicting classifications (1 of 4 stars). 3 submissions from 3 submitters: Likely pathogenic (1); Uncertain significance (2). Last evaluated 2024-10-02.

Conditions:
Mucopolysaccharidosis type 1. Also called: IDUA deficiency; MPS I; Mucopolysaccharidosis Type I. Identifiers: Orphanet 579, MedGen C0023786, MONDO:0001586.

Allele frequency attached by ClinVar (database versions not stated): gnomAD exomes 0.00002; ESP Exome Variant Server 0.00008.

Submissions (3):

Labcorp Genetics (formerly Invitae), Labcorp
Classification: Likely pathogenic for Mucopolysaccharidosis type 1. Last evaluated: 2024-10-02. Review status: criteria provided, single submitter. Criteria: Invitae Variant Classification Sherloc (09022015). Collection method: clinical testing. Allele origin: germline.
Comment: This sequence change replaces alanine, which is neutral and non-polar, with threonine, which is neutral and polar, at codon 319 of the IDUA protein (p.Ala319Thr). This variant is not present in population databases (gnomAD no frequency). This variant has not been reported in the literature in individuals affected with IDUA-related conditions. ClinVar contains an entry for this variant (Variation ID: 2162894). Invitae Evidence Modeling of protein sequence and biophysical properties (such as structural, functional, and spatial information, amino acid conservation, physicochemical variation, residue mobility, and thermodynamic stability) indicates that this missense variant is expected to disrupt IDUA protein function with a positive predictive value of 80%. This variant disrupts the p.Ala319 amino acid residue in IDUA. Other variant(s) that disrupt this residue have been determined to be pathogenic (PMID: 11735025). This suggests that this residue is clinically significant, and that variants that disrupt this residue are likely to be disease-causing. In summary, the currently available evidence indicates that the variant is pathogenic, but additional data are needed to prove that conclusively. Therefore, this variant has been classified as Likely Pathogenic.

Mayo Clinic Laboratories, Mayo Clinic
Classification: Uncertain significance. Last evaluated: 2023-12-04. Review status: criteria provided, single submitter. Criteria: ACMG Guidelines, 2015. Collection method: clinical testing. Allele origin: germline. Observed: 1 variant allele.
Comment: PP3, PM2_moderate, PM5

Revvity Omics, Revvity
Classification: Uncertain significance. Last evaluated: 2022-04-06. Review status: criteria provided, single submitter. Criteria: ACMG Guidelines, 2015. Collection method: clinical testing. Allele origin: germline.

Literature cited by the submitters: PubMed 11735025 (cited by Labcorp Genetics (formerly Invitae), Labcorp); PubMed 28676128 (cited by Mayo Clinic Laboratories, Mayo Clinic).

NM_000203.5(IDUA):c.955G>A (p.Ala319Thr)

Gene: IDUA (alpha-L-iduronidase; plus strand). Cytogenetic location: 4p16.3.
Variant type: single nucleotide variant.
Coding change: c.955G>A on transcript NM_000203.5 (MANE Select); coding-DNA position 955, G replaced by A.
Protein change: p.Ala319Thr; replaces alanine 319 with threonine.
Molecular consequence: missense variant. On other transcripts: non-coding transcript variant (1).
Genome position (GRCh38, 1-based): chr4:1,002,144, G>A. VCF-style: chr4-1002144-G-A. GRCh37 (hg19) VCF-style: chr4-995932-G-A.
Other names: p.Ala319Thr; c.559G>A, p.Ala187Thr (NM_001363576.1); short protein forms A187T, A319T.
Identifiers: ClinVar variation 2162894 (VCV002162894.8), dbSNP rs374699130, ClinGen allele CA91168572.